The following is an entry in ClinVar:

ClinVar aggregate classification (germline): Uncertain significance. Review status: criteria provided, multiple submitters, no conflicts (2 of 4 stars). 2 submissions from 2 submitters: Uncertain significance (2). Last evaluated 2025-06-12.

Conditions:
Inborn genetic diseases. Identifiers: MedGen C0950123, MeSH D030342.
Nephronophthisis. Also called: Juvenile Nephronophthisis. Identifiers: Orphanet 655, MedGen C0687120, MONDO:0019005, HP:0000090.

Allele frequency attached by ClinVar (database versions not stated): gnomAD 0.00001; TOPMed 0.00001.
gnomAD v4.1: 2 of 1,613,856 alleles (0.00012%); highest among the groups gnomAD compares: Non-Finnish European, 0.00017%; no homozygotes.

Submissions (2):

Labcorp Genetics (formerly Invitae), Labcorp
Classification: Uncertain significance for Nephronophthisis. Last evaluated: 2025-06-12. Review status: criteria provided, single submitter. Criteria: Invitae Variant Classification Sherloc (09022015). Collection method: clinical testing. Allele origin: germline.
Comment: This sequence change replaces aspartic acid, which is acidic and polar, with glycine, which is neutral and non-polar, at codon 656 of the NPHP4 protein (p.Asp656Gly). This variant is present in population databases (no rsID available, gnomAD 0.0009%). This variant has not been reported in the literature in individuals affected with NPHP4-related conditions. ClinVar contains an entry for this variant (Variation ID: 2176454). Invitae Evidence Modeling of protein sequence and biophysical properties (such as structural, functional, and spatial information, amino acid conservation, physicochemical variation, residue mobility, and thermodynamic stability) has been performed for this missense variant. However, the output from this modeling did not meet the statistical confidence thresholds required to predict the impact of this variant on NPHP4 protein function. In summary, the available evidence is currently insufficient to determine the role of this variant in disease. Therefore, it has been classified as a Variant of Uncertain Significance.

Ambry Genetics
Classification: Uncertain significance for Inborn genetic diseases. Last evaluated: 2023-05-05. Review status: criteria provided, single submitter. Criteria: Ambry Variant Classification Scheme 2023. Collection method: clinical testing. Allele origin: germline.

NM_015102.5(NPHP4):c.1967A>G (p.Asp656Gly)

Gene: NPHP4 (nephrocystin 4; minus strand). Cytogenetic location: 1p36.31.
Variant type: single nucleotide variant.
Coding change: c.1967A>G on transcript NM_015102.5 (MANE Select); coding-DNA position 1967, A replaced by G.
Protein change: p.Asp656Gly; replaces aspartic acid 656 with glycine.
Molecular consequence: missense variant. On other transcripts: non-coding transcript variant (1).
Genome position (GRCh38, 1-based): chr1:5,904,793, T>C on the plus strand (A>G on the coding strand, the complement: NPHP4 is on the minus strand). VCF-style: chr1-5904793-T-C. GRCh37 (hg19) VCF-style: chr1-5964853-T-C.
Other names: c.1967A>G (NM_015102.3); c.428A>G, p.Asp143Gly (NM_001291593.2); c.431A>G, p.Asp144Gly (NM_001291594.2); short protein forms D656G, D144G, D143G.
Identifiers: ClinVar variation 2176454 (VCV002176454.6), dbSNP rs1373954726, ClinGen allele CA338054014.